The following is an entry in ClinVar:

NM_007348.4(ATF6):c.1857G>A (p.Gln619=)

Gene: ATF6 (activating transcription factor 6; plus strand). Cytogenetic location: 1q23.3.
Variant type: single nucleotide variant.
Coding change: c.1857G>A on transcript NM_007348.4 (MANE Select); coding-DNA position 1857, G replaced by A.
Protein change: p.Gln619=; no amino-acid change (glutamine 619 retained).
Molecular consequence: synonymous variant.
Genome position (GRCh38, 1-based): chr1:161,958,498, G>A. VCF-style: chr1-161958498-G-A. GRCh37 (hg19) VCF-style: chr1-161928288-G-A.
Other names: c.1854G>A, p.Gln618= (NM_001410890.1); c.1857G>A (NM_007348.3).
Identifiers: ClinVar variation 3614670 (VCV003614670.3).

ClinVar aggregate classification (germline): Likely benign. Review status: criteria provided, multiple submitters, no conflicts (2 of 4 stars). 2 submissions from 2 submitters: Likely benign (2). Last evaluated 2025-10-28.

Conditions:
ATF6-related disorder. Also called: ATF6-related condition.

gnomAD v4.1: 12 of 1,613,508 alleles (0.00074%); highest among the groups gnomAD compares: African/African-American, 0.0013%; no homozygotes.

Submissions (2):

PreventionGenetics, part of Exact Sciences
Classification: Likely benign for ATF6-related condition. Last evaluated: 2025-10-28. Review status: criteria provided, single submitter. Criteria: ACMG Guidelines, 2015. Collection method: clinical testing. Allele origin: germline.
Comment: This variant is classified as likely benign based on ACMG/AMP sequence variant interpretation guidelines (Richards et al. 2015 PMID: 25741868, with internal and published modifications).

Labcorp Genetics (formerly Invitae), Labcorp
Classification: Likely benign. Last evaluated: 2024-07-01. Review status: criteria provided, single submitter. Criteria: Invitae Variant Classification Sherloc (09022015). Collection method: clinical testing. Allele origin: germline.